The following is an entry in ClinVar:

NM_005045.4(RELN):c.4888A>G (p.Ile1630Val)

Gene: RELN (reelin; minus strand). Cytogenetic location: 7q22.1.
Variant type: single nucleotide variant.
Coding change: c.4888A>G on transcript NM_005045.4 (MANE Select); coding-DNA position 4888, A replaced by G.
Protein change: p.Ile1630Val; replaces isoleucine 1630 with valine.
Molecular consequence: missense variant.
Genome position (GRCh38, 1-based): chr7:103,566,272, T>C on the plus strand (A>G on the coding strand, the complement: RELN is on the minus strand). VCF-style: chr7-103566272-T-C. GRCh37 (hg19) VCF-style: chr7-103206719-T-C.
Other names: c.4888A>G, p.Ile1630Val (NM_173054.3); short protein forms I1630V.
Identifiers: ClinVar variation 2940053 (VCV002940053.3), dbSNP rs2484743142, ClinGen allele CA368747823.
Genomic context (GRCh38, chr7:103,566,272, plus strand): 5'-GACAATATATACCTATGTTTTCAGTGAATATCAGAGCAGTATCCATAGAGAGACAGTCAA[T>C]ATCAACTTGACCTCCTTGGATTCGATACCAGTTGGCTTGCAAATCTATAGAGCCATCAAA-3'
Protein context (NP_005036.2, residues 1620-1640): WYRIQGGQVD[Ile1630Val]DCLSMDTALI

ClinVar aggregate classification (germline): Uncertain significance (1 of 4 stars; one submission).

Conditions:
Norman-Roberts syndrome (LIS2). Also called: Lissencephaly 2 (Norman-Roberts type). Identifiers: Orphanet 89844, MedGen C0796089, MONDO:0009760, OMIM 257320.
Familial temporal lobe epilepsy 7. Identifiers: Orphanet 101046, MedGen C4225327, MONDO:0014639, OMIM 616436.

Submission:

Labcorp Genetics (formerly Invitae), Labcorp
Classification: Uncertain significance for Familial temporal lobe epilepsy 7; Norman-Roberts syndrome. Last evaluated: 2023-05-30. Review status: criteria provided, single submitter. Criteria: Invitae Variant Classification Sherloc (09022015). Collection method: clinical testing. Allele origin: germline.
Comment: Advanced modeling of protein sequence and biophysical properties (such as structural, functional, and spatial information, amino acid conservation, physicochemical variation, residue mobility, and thermodynamic stability) performed at Invitae indicates that this missense variant is not expected to disrupt RELN protein function. This sequence change replaces isoleucine, which is neutral and non-polar, with valine, which is neutral and non-polar, at codon 1630 of the RELN protein (p.Ile1630Val). This variant is not present in population databases (gnomAD no frequency). This variant has not been reported in the literature in individuals affected with RELN-related conditions. In summary, the available evidence is currently insufficient to determine the role of this variant in disease. Therefore, it has been classified as a Variant of Uncertain Significance.